The following is an entry in ClinVar:

ClinVar aggregate classification (germline): Likely pathogenic (1 of 4 stars; one submission).

Conditions:
Renpenning syndrome. Also called: SUTHERLAND-HAAN X-LINKED MENTAL RETARDATION SYNDROME; MENTAL RETARDATION, X-LINKED 55; MENTAL RETARDATION, X-LINKED, SYNDROMIC 8; Mental retardation, X-linked Renpenning type; X-linked mental retardation with spastic diplegia; X-linked mental retardation syndromic 3. Identifiers: Orphanet 3242, MedGen C0796135, MONDO:0010653, OMIM 309500.

Submission:

Department of Pediatrics, Fuyang People's Hospital of Anhui Medical University
Classification: Likely pathogenic for Renpenning syndrome. Last evaluated: 2025-02-11. Review status: criteria provided, single submitter. Criteria: ACMG Guidelines, 2015. Collection method: research. Allele origin: germline. Inheritance: X-linked recessive inheritance. Affected: yes. Observed: 2 variant alleles.
Comment: This missense variant (c.28C>G, p.Arg10Gly) in the PQBP1 gene results in substitution of arginine to glycine at amino acid position 10, located outside the usual functional regions. The variant is not included in population databases (dbSNP, 1000 Genomes, Genome AD). According to the American College of Medical Genetics guidelines [ACMG/AMP guidelines (PMID:25741868)], the authors rated this variant as likely pathogenic (PM2_Supporting + PP3).

Literature cited by the submitters: PubMed 39932334.

NM_001032382.2(PQBP1):c.28C>G (p.Arg10Gly)

Genes: PQBP1 (polyglutamine binding protein 1; plus strand), LOC130068256 (ATAC-STARR-seq lymphoblastoid active region 29617; plus strand). Cytogenetic location: Xp11.23.
Variant type: single nucleotide variant.
Coding change: c.28C>G on transcript NM_001032382.2 (MANE Select); coding-DNA position 28, C replaced by G.
Protein change: p.Arg10Gly; replaces arginine 10 with glycine.
Molecular consequence: missense variant.
Genome position (GRCh38, 1-based): chrX:48,898,537, C>G. VCF-style: chrX-48898537-C-G. GRCh37 (hg19) VCF-style: chrX-48755820-C-G.
Other names: c.28C>G, p.Arg10Gly (NM_001032381.2, NM_001032383.2, NM_001032384.1 and 6 more transcripts); short protein forms R10G.
Identifiers: ClinVar variation 4795962 (VCV004795962.1).